The following is an entry in ClinVar:

ClinVar aggregate classification (germline): Pathogenic. Review status: criteria provided, single submitter (1 of 4 stars). 2 submissions from 2 submitters: Pathogenic (1). 1 of the submissions does not count toward it. Last evaluated 2021-04-26.

Conditions:
Sjögren-Larsson syndrome (SLS). Also called: FALDH DEFICIENCY; FATTY ALCOHOL:NAD+ OXIDOREDUCTASE DEFICIENCY; FATTY ALDEHYDE DEHYDROGENASE DEFICIENCY; ICHTHYOSIS, SPASTIC NEUROLOGIC DISORDER, AND OLIGOPHRENIA. Identifiers: Orphanet 816, MedGen C0037231, MONDO:0010031, OMIM 270200.

Submissions (2):

Women's Health and Genetics/Laboratory Corporation of America, LabCorp
Classification: Pathogenic for Sjögren-Larsson syndrome. Last evaluated: 2021-04-26. Review status: criteria provided, single submitter. Criteria: LabCorp Variant Classification Summary - May 2015. Collection method: clinical testing. Allele origin: germline.
Comment: Variant summary: ALDH3A2 c.901_903delinsCC (p.Ala301ProfsX13) results in a premature termination codon, predicted to cause a truncation of the encoded protein or absence of the protein due to nonsense mediated decay, which are commonly known mechanisms for disease. Truncations downstream of this position have been classified as pathogenic by our laboratory. The variant was absent in 282830 control chromosomes. c.901_903delinsCC has been reported in the literature with a legacy nomenclature of c.901G>C and c.906delT in individuals affected with Sjogren-Larsson Syndrome (example, Sillen_1998, Keller_2010). These data indicate that the variant is likely to be associated with disease. At least one publication reports experimental evidence evaluating an impact on protein function. The most pronounced variant effect results in 10%-<30% of normal fatty aldehyde dehydrogenase enzyme activity in patient fibroblasts (example, Keller_2010). One clinical diagnostic laboratory has submitted clinical-significance assessments for this variant to ClinVar after 2014 without evidence for independent evaluation. One laboratory classified the variant as pathogenic/likely pathogenic. Based on the evidence outlined above, the variant was classified as pathogenic.

Counsyl
Classification: Likely pathogenic for Sjögren-Larsson syndrome. Last evaluated: 2015-02-19. Review status: no assertion criteria provided. Collection method: literature only. Allele origin: unknown. Inheritance: Autosomal recessive inheritance. Not counted in ClinVar's aggregate classification.

Literature cited by the submitters: PubMed 9829906 (cited by Women's Health and Genetics/Laboratory Corporation of America, LabCorp and Counsyl); PubMed 19965611 (cited by Women's Health and Genetics/Laboratory Corporation of America, LabCorp and Counsyl); PubMed 10577908 (cited by Counsyl); PubMed 19124283 (cited by Counsyl); PubMed 10854114 (cited by Counsyl).

NM_000382.3(ALDH3A2):c.901_903delinsCC (p.Ala301fs)

Gene: ALDH3A2 (aldehyde dehydrogenase 3 family member A2; plus strand). Cytogenetic location: 17p11.2.
Variant type: Indel.
Coding change: c.901_903delinsCC on transcript NM_000382.3 (MANE Select); coding-DNA positions 901 to 903, GCT replaced by CC.
Protein change: p.Ala301fs; shifts the reading frame from alanine 301.
Molecular consequence: frameshift variant.
Genome position (GRCh38, 1-based): chr17:19,661,229-19,661,231, GCT replaced by CC. VCF-style: chr17-19661229-GCT-CC. GRCh37 (hg19) VCF-style: chr17-19564542-GCT-CC.
Other names: c.901_903delinsCC (NM_000382.2); c.901_903delinsCC, p.Ala301fs (NM_001031806.2, NM_001369136.1, NM_001369137.2 and 3 more transcripts); c.322_324delinsCC, p.Ala108fs (NM_001369148.2); short protein forms A108fs, A301fs.
Identifiers: ClinVar variation 189187 (VCV000189187.5), dbSNP rs786204759, ClinGen allele CA199134.